The following is an entry in ClinVar:

ClinVar aggregate classification (germline): Pathogenic. Review status: reviewed by expert panel (3 of 4 stars). 28 submissions from 26 submitters: Pathogenic (1). 27 of the submissions do not count toward it. Last evaluated 2025-11-13.

Conditions:
Cardiovascular phenotype. Identifiers: MedGen CN230736.
MYBPC3-related disorder. Also called: MYBPC3-related condition; MYBPC3-related disease; MYBPC3-related disorders.
Left ventricular noncompaction 10 (LVNC10). Identifiers: Orphanet 154, Orphanet 54260, MedGen C3715165, MONDO:0014163, OMIM 615396.
Hypertrophic cardiomyopathy 4. Also called: Familial hypertrophic cardiomyopathy 4. Identifiers: MedGen C1861862, MONDO:0007268, OMIM 115197.
Cardiomyopathy (CMYO). Also called: Cardiomyopathies. Identifiers: Orphanet 167848, MedGen C0878544, MONDO:0004994, HP:0001638. Inheritance: Various modes of inheritance.
Primary familial hypertrophic cardiomyopathy (HCM). Identifiers: Orphanet 99739, MedGen C0949658, MeSH D024741, MONDO:0024573. Inheritance: Various modes of inheritance.
Hypertrophic cardiomyopathy. Also called: HYPERTROPHIC MYOCARDIOPATHY. Identifiers: Orphanet 217569, MedGen C0007194, MeSH D002312, MONDO:0005045, HP:0001639.

Allele frequency attached by ClinVar (database versions not stated): gnomAD exomes 0.00001; gnomAD 0.00002 and 0.00003; TOPMed 0.00002.
gnomAD v4.1: 11 of 1,613,898 alleles (0.00068%); highest among the groups gnomAD compares: African/African-American, 0.0067%; no homozygotes.

Submissions 1 to 6 of 28:

ClinGen Cardiomyopathy Variant Curation Expert Panel
Classification: Pathogenic for Hypertrophic cardiomyopathy. Last evaluated: 2025-11-13. Review status: reviewed by expert panel. Criteria: ClinGen CMP ACMG Specifications MYBPC3 V1.0.0. Collection method: curation. Allele origin: germline. Inheritance: Autosomal dominant inheritance.
Comment: NM_000256.3(MYBPC3):c.1505G>A (p.Arg502Gln) - This variant has been reported in numerous individuals with HCM (statistically increased in individuals with cardiomyopathy compared to controls [OR lower 95% CI >20]), and shown to segregate with disease in numerous individuals across multiple families (PMIDs: 9562578, 16566405, 16858239, 18403758, 18533079, 18803133, 18957093, 20433692, 21239446, 22112859, 22857948, 23074333, 24093860, 27532257, 27561770, 27930701, LMM data, OMGL data). Therefore, the PS4 and PP1_Strong criteria have been applied. This variant is absent from gnomAD v2.1.1 (PM2_Supporting). Another variant involving this codon (p.Arg502Trp) has been identified in individuals with HCM and is classified as pathogenic by this VCEP (PM5). This variant lies in a region of the protein where variants are statistically more likely to be disease-associated with HCM (PMID: 30696458), but this cannot be combined with PM5. Computational prediction tools are inconclusive about the potential impact of this variant (REVEL score <0.7). In summary, this variant is classified as Pathogenic for HCM in an autosomal dominant manner based on PS4, PP1_Strong, PM5, and PM2_Supporting.

Ambry Genetics
Classification: Pathogenic for Cardiovascular phenotype. Last evaluated: 2026-05-21. Review status: criteria provided, single submitter. Criteria: Ambry Variant Classification Scheme 2023. Collection method: clinical testing. Allele origin: germline. Not counted in ClinVar's aggregate classification.
Comment: The c.1505G>A (p.R502Q) alteration is located in exon 17 (coding exon 17) of the MYBPC3 gene. This alteration results from a G to A substitution at nucleotide position 1505, causing the arginine (R) at amino acid position 502 to be replaced by a glutamine (Q). This variant was not reported in population-based cohorts in the Genome Aggregation Database (gnomAD). This variant has been reported in numerous individuals with hypertrophic cardiomyopathy (HCM) including several families with strong evidence of segregation with disease (Niimura, 1998; Cardim, 2005; Rudziski, 2008; Otsuka, 2012; Maurizi, 2018). This variant has also been reported in an individual with HCM who also had evidence of left ventricular noncompaction (Faria, 2012). This amino acid position is highly conserved in available vertebrate species. This alteration is predicted to be deleterious by in silico analysis. Based on the available evidence, this alteration is classified as pathogenic.

PreventionGenetics, part of Exact Sciences
Classification: Pathogenic for MYBPC3-related condition. Last evaluated: 2025-12-21. Review status: criteria provided, single submitter. Criteria: ACMG Guidelines, 2015. Collection method: clinical testing. Allele origin: germline. Not counted in ClinVar's aggregate classification.
Comment: The MYBPC3 c.1505G>A variant is predicted to result in the amino acid substitution p.Arg502Gln. This variant has been reported to segregate with hypertrophic cardiomyopathy in multiple unrelated families (see for example: Niimura et al. 1998. PubMed ID: 9562578; Jordan et al. 2011. PubMed ID: 21310275; Table S1A/B in Walsh et al. 2017. PubMed ID: 27532257) and has been interpreted as pathogenic by multiple laboratories in the ClinVar database (Variation ID: 42541). Additionally, different amino acid substitutions (p.Arg502Gly, p.Arg502Trp, p.Arg502Leu) affecting the same amino acid have been reported as pathogenic (Human Gene Mutation Database). We classify the c.1505G>A (p.Arg502Gln) variant as pathogenic.

Labcorp Genetics (formerly Invitae), Labcorp
Classification: Pathogenic for Hypertrophic cardiomyopathy. Last evaluated: 2025-12-19. Review status: criteria provided, single submitter. Criteria: Invitae Variant Classification Sherloc (09022015). Collection method: clinical testing. Allele origin: germline. Not counted in ClinVar's aggregate classification.
Comment: This sequence change replaces arginine, which is basic and polar, with glutamine, which is neutral and polar, at codon 502 of the MYBPC3 protein (p.Arg502Gln). This variant is not present in population databases (gnomAD no frequency). This missense change has been observed in individuals with hypertrophic cardiomyopathy (PMID: 9562578, 16566405, 18403758, 18533079, 20433692, 22386539). ClinVar contains an entry for this variant (Variation ID: 42541). An algorithm developed to predict the effect of missense changes on protein structure and function (PolyPhen-2) suggests that this variant is likely to be disruptive. This variant disrupts the p.Arg502 amino acid residue in MYBPC3. Other variant(s) that disrupt this residue have been determined to be pathogenic (PMID: 12707239, 20378854, 22267749, 23396983). This suggests that this residue is clinically significant, and that variants that disrupt this residue are likely to be disease-causing. For these reasons, this variant has been classified as Pathogenic.

3billion
Classification: Pathogenic for Hypertrophic cardiomyopathy 4. Last evaluated: 2025-07-28. Review status: criteria provided, single submitter. Criteria: ACMG Guidelines, 2015. Collection method: clinical testing. Allele origin: germline. Affected: yes. Not counted in ClinVar's aggregate classification.
Comment: The variant is observed at an extremely low frequency in the gnomAD v4.1.0 dataset (total allele frequency: <0.001%). Predicted Consequence/Location: Missense variant In silico tool predictions suggest damaging effect of the variant on gene or gene product [REVEL: 0.65 (>=0.6, sensitivity 0.68 and specificity 0.92); 3Cnet: 0.79 (> 0.75, sensitivity 0.96 and precision 0.92)]. The same nucleotide change resulting in the same amino acid change has been previously reported as pathogenic/likely pathogenic with strong evidence (ClinVar ID: VCV000042541 /PMID: 9562578 /3billion dataset). The variant has been observed in multiple (>3) similarly affected unrelated individuals (PMID: 18533079, 9562578). Different missense changes at the same codon (p.Arg502Gly, p.Arg502Leu, p.Arg502Trp) have been reported as pathogenic/likely pathogenic with strong evidence (ClinVar ID: VCV000042540, VCV000164112, VCV001475570 /PMID: 12707239, 26090888). Therefore, this variant is classified as Pathogenic according to the recommendation of ACMG/AMP guideline.

New York Genome Center
Classification: Pathogenic for Left ventricular noncompaction 10; Hypertrophic cardiomyopathy 4. Last evaluated: 2025-07-23. Review status: criteria provided, single submitter. Criteria: NYGC Assertion Criteria 2020. Collection method: clinical testing. Allele origin: inherited. Observed: 1 variant allele, 1 heterozygote. Not counted in ClinVar's aggregate classification.
Comment: The c.1505G>A variant in MYBPC3 has previously been reported in multiple individuals with Hypertrophic Cardiomyopathy and was found to be co-segregated with disease phenotype [PMID: 9562578, 16858239, 18403758, 18533079, 20433692, 22386539, 27532257, 39096151]. The c.1505G>A variant has been deposited in ClinVar [ClinVar ID: 42541] as Pathogenic/Likely Pathogenic by multiple submitters with affected status provided. The c.1505G>A variant is observed in 11 alleles (~0.0006% minor allele frequency with 0 homozygote) in gnomAD v4.1.0, suggesting it is not a common benign variant in the populations represented in that database. The c.1505G>A variant is located within a mutational hotspot region (amino acids 485–502) in exon 17 of this 35-exon gene. This variant is predicted to result in the substitution of an evolutionarily conserved arginine with glutamine at position 502 (p.Arg502Gln) within the Ig-like C2-type 3 domain of the encoded protein (PMID: 20433692, 30696458). In silico predictions are inconclusive of damaging effect for the p.(Arg502Gln) variant [REVEL = 0.645 (<0.7 recommended by gene specific guidelines)]; however, there are no functional studies to support or refute these predictions. A different missense variant (p.(Arg502Trp)) affecting the same amino acid (p.Arg502) residue has previously been reported as the most common recurrent pathogenic variant in the literature [PMID: 20378854, 28615295] and ClinVar [ClinVar ID: 42540] in individuals with Hypertrophic Cardiomyopathy. on available evidence this inherited c.1505G>A p.(Arg502Gln) variant identified in MYBPC3 is classified as Pathogenic.

NM_000256.3(MYBPC3):c.1505G>A (p.Arg502Gln)

Gene: MYBPC3 (myosin binding protein C3; minus strand). Cytogenetic location: 11p11.2.
Variant type: single nucleotide variant.
Coding change: c.1505G>A on transcript NM_000256.3 (MANE Select); coding-DNA position 1505, G replaced by A.
Protein change: p.Arg502Gln; replaces arginine 502 with glutamine.
Molecular consequence: missense variant.
Genome position (GRCh38, 1-based): chr11:47,342,697, C>T on the plus strand (G>A on the coding strand, the complement: MYBPC3 is on the minus strand). VCF-style: chr11-47342697-C-T. GRCh37 (hg19) VCF-style: chr11-47364248-C-T.
Other names: p.R502Q:CGG>CAG; short protein forms R502Q.
Identifiers: ClinVar variation 42541 (VCV000042541.84), dbSNP rs397515907, ClinGen allele CA010508.